The following is an entry in ClinVar:

ClinVar aggregate classification (germline): Uncertain significance (1 of 4 stars; one submission).

gnomAD v4.1: 15 of 1,300,548 alleles (0.0012%); highest among the groups gnomAD compares: Admixed American, 0.021%; no homozygotes.

Submission:

Ambry Genetics
Classification: Uncertain significance. Last evaluated: 2025-10-22. Review status: criteria provided, single submitter. Criteria: Ambry Variant Classification Scheme 2023. Collection method: clinical testing. Allele origin: germline.
Comment: The c.443C>T (p.T148M) alteration is located in exon (coding exon ) of the SH3RF3 gene. This alteration results from a C to T substitution at nucleotide position 443, causing the threonine (T) at amino acid position 148 to be replaced by a methionine (M). Based on insufficient or conflicting evidence, the clinical significance of this alteration remains unclear.

NM_001099289.3(SH3RF3):c.443C>T (p.Thr148Met)

Genes: RANBP2 (RAN binding protein 2; plus strand), SH3RF3 (SH3 domain containing ring finger 3; plus strand), SH3RF3-AS1 (SH3RF3 antisense RNA 1; minus strand). Cytogenetic location: 2q13.
Variant type: single nucleotide variant.
Coding change: c.443C>T on transcript NM_001099289.3 (MANE Select); coding-DNA position 443, C replaced by T.
Protein change: p.Thr148Met; replaces threonine 148 with methionine.
Molecular consequence: missense variant. On other transcripts: non-coding transcript variant (1).
Genome position (GRCh38, 1-based): chr2:109,129,983, C>T. VCF-style: chr2-109129983-C-T. GRCh37 (hg19) VCF-style: chr2-109746439-C-T.
Other names: short protein forms T148M.
Identifiers: ClinVar variation 4583329 (VCV004583329.1).